The following is an entry in ClinVar:

ClinVar aggregate classification (germline): Pathogenic/Likely pathogenic. Review status: criteria provided, multiple submitters, no conflicts (2 of 4 stars). 3 submissions from 3 submitters: Pathogenic (1); Likely pathogenic (1). 1 of the submissions does not count toward it. Last evaluated 2025-01-14.

Conditions:
Familial pulmonary capillary hemangiomatosis (PVOD2). Also called: Pulmonary venoocclusive disease 2, autosomal recessive; Pulmonary venoocclusive disease 2. Identifiers: Orphanet 199241, MedGen C0340848, MONDO:0009329, OMIM 234810.

Allele frequency attached by ClinVar (database versions not stated): ExAC 0.00001; TOPMed 0.00001.
gnomAD v4.1: 24 of 1,614,088 alleles (0.0015%); highest among the groups gnomAD compares: Non-Finnish European, 0.0019%; no homozygotes.

Submissions (3):

Labcorp Genetics (formerly Invitae), Labcorp
Classification: Pathogenic. Last evaluated: 2025-01-14. Review status: criteria provided, single submitter. Criteria: Invitae Variant Classification Sherloc (09022015). Collection method: clinical testing. Allele origin: germline.
Comment: This sequence change creates a premature translational stop signal (p.Arg463*) in the EIF2AK4 gene. It is expected to result in an absent or disrupted protein product. Loss-of-function variants in EIF2AK4 are known to be pathogenic (PMID: 12215525, 24135949, 24292273, 24310610, 28972005, 29743074). This variant is present in population databases (rs587777107, gnomAD 0.0009%). This premature translational stop signal has been observed in individual(s) with pulmonary veno-occlusive disease and/or pulmonary arterial hypertension (PMID: 24292273, 29631995, 30679663, 36451176). ClinVar contains an entry for this variant (Variation ID: 97069). For these reasons, this variant has been classified as Pathogenic.

Department of Pathology and Laboratory Medicine, Sinai Health System
Classification: Likely pathogenic for Familial pulmonary capillary hemangiomatosis. Last evaluated: 2022-12-05. Review status: criteria provided, single submitter. Criteria: ACMG Guidelines, 2015. Collection method: research. Allele origin: germline.

OMIM
Classification: Pathogenic for PULMONARY VENOOCCLUSIVE DISEASE 2. Last evaluated: 2014-01-01. Review status: no assertion criteria provided. Collection method: literature only. Allele origin: germline. Not counted in ClinVar's aggregate classification.

Literature cited by the submitters: PubMed 12215525 (cited by Labcorp Genetics (formerly Invitae), Labcorp); PubMed 24135949 (cited by Labcorp Genetics (formerly Invitae), Labcorp); PubMed 24292273 (cited by Labcorp Genetics (formerly Invitae), Labcorp and OMIM); PubMed 24310610 (cited by Labcorp Genetics (formerly Invitae), Labcorp); PubMed 28972005 (cited by Labcorp Genetics (formerly Invitae), Labcorp); PubMed 29743074 (cited by Labcorp Genetics (formerly Invitae), Labcorp); PubMed 29631995 (cited by Labcorp Genetics (formerly Invitae), Labcorp); PubMed 30679663 (cited by Labcorp Genetics (formerly Invitae), Labcorp); PubMed 36451176 (cited by Labcorp Genetics (formerly Invitae), Labcorp).

NM_001013703.4(EIF2AK4):c.1387C>T (p.Arg463Ter)

Gene: EIF2AK4 (eukaryotic translation initiation factor 2 alpha kinase 4; plus strand). Cytogenetic location: 15q15.1.
Variant type: single nucleotide variant.
Coding change: c.1387C>T on transcript NM_001013703.4 (MANE Select); coding-DNA position 1387, C replaced by T.
Protein change: p.Arg463Ter; replaces arginine 463 with a stop codon.
Molecular consequence: nonsense.
Genome position (GRCh38, 1-based): chr15:39,967,713, C>T. VCF-style: chr15-39967713-C-T. GRCh37 (hg19) VCF-style: chr15-40259914-C-T.
Other names: short protein forms R463*.
Identifiers: ClinVar variation 97069 (VCV000097069.6), dbSNP rs587777107, ClinGen allele CA149758.